The following is an entry in ClinVar:

ClinVar aggregate classification (germline): Uncertain significance. Review status: criteria provided, multiple submitters, no conflicts (2 of 4 stars). 2 submissions from 2 submitters: Uncertain significance (2). Last evaluated 2022-01-02.

Conditions:
Combined immunodeficiency due to DOCK8 deficiency (HIES2). Also called: HIES autosomal recessive; Hyper-IgE recurrent infection syndrome, autosomal recessive; HYPER-IgE SYNDROME 2, AUTOSOMAL RECESSIVE, WITH RECURRENT INFECTIONS; DOCK8 Deficiency; HYPER-IgE RECURRENT INFECTION SYNDROME 2, AUTOSOMAL RECESSIVE. Identifiers: Orphanet 217390, MedGen C4722305, MONDO:0009478, OMIM 243700.

Allele frequency attached by ClinVar (database versions not stated): ExAC 0.00001; gnomAD 0.00001; gnomAD exomes 0.00001; TOPMed 0.00003.
gnomAD v4.1: 11 of 1,614,052 alleles (0.00068%); highest among the groups gnomAD compares: Admixed American, 0.0017%; no homozygotes.

Submissions (2):

Labcorp Genetics (formerly Invitae), Labcorp
Classification: Uncertain significance for Combined immunodeficiency due to DOCK8 deficiency. Last evaluated: 2022-01-02. Review status: criteria provided, single submitter. Criteria: Invitae Variant Classification Sherloc (09022015). Collection method: clinical testing. Allele origin: germline.
Comment: This sequence change replaces serine, which is neutral and polar, with alanine, which is neutral and non-polar, at codon 578 of the DOCK8 protein (p.Ser578Ala). This variant is present in population databases (rs764950936, gnomAD 0.002%). This variant has not been reported in the literature in individuals affected with DOCK8-related conditions. ClinVar contains an entry for this variant (Variation ID: 912504). Algorithms developed to predict the effect of missense changes on protein structure and function (SIFT, PolyPhen-2, Align-GVGD) all suggest that this variant is likely to be disruptive. In summary, the available evidence is currently insufficient to determine the role of this variant in disease. Therefore, it has been classified as a Variant of Uncertain Significance.

Illumina Laboratory Services, Illumina
Classification: Uncertain significance for Combined immunodeficiency due to DOCK8 deficiency. Last evaluated: 2018-01-13. Review status: criteria provided, single submitter. Criteria: ICSL Variant Classification Criteria 13 December 2019. Collection method: clinical testing. Allele origin: germline.

NM_203447.4(DOCK8):c.1732T>G (p.Ser578Ala)

Gene: DOCK8 (dedicator of cytokinesis 8; plus strand). Cytogenetic location: 9p24.3.
Variant type: single nucleotide variant.
Coding change: c.1732T>G on transcript NM_203447.4 (MANE Select); coding-DNA position 1732, T replaced by G.
Protein change: p.Ser578Ala; replaces serine 578 with alanine.
Molecular consequence: missense variant.
Genome position (GRCh38, 1-based): chr9:368,070, T>G. VCF-style: chr9-368070-T-G. GRCh37 (hg19) VCF-style: chr9-368070-T-G.
Other names: c.1528T>G, p.Ser510Ala (NM_001190458.2, NM_001193536.2); short protein forms S578A, S510A.
Identifiers: ClinVar variation 912504 (VCV000912504.8), dbSNP rs764950936, ClinGen allele CA4957866.
Genomic context (GRCh38, chr9:368,070, plus strand): 5'-TTTTCCAGAAACCTTCTCTATGTCTACCCACAGAGGCTGAACTTTGTAAACAAACTAGCA[T>G]CAGCCCGGAACATTACAATAAAGATCCAGTTTATGTGTGGAGAAGATGCTAGCAATGCGA-3'
Protein context (NP_982272.2, residues 568-588): QRLNFVNKLA[Ser578Ala]ARNITIKIQF